The following is an entry in ClinVar:

NM_030962.4(SBF2):c.3111-3T>C

Genes: SBF2 (SET binding factor 2; minus strand), LOC101928008 (uncharacterized LOC101928008; plus strand). Cytogenetic location: 11p15.4.
Variant type: single nucleotide variant.
Coding change: c.3111-3T>C on transcript NM_030962.4 (MANE Select); 3 bases into the intron before coding-DNA position 3111, T replaced by C.
Molecular consequence: intron variant.
Genome position (GRCh38, 1-based): chr11:9,842,773, A>G on the plus strand (T>C on the coding strand, the complement: SBF2 is on the minus strand). VCF-style: chr11-9842773-A-G. GRCh37 (hg19) VCF-style: chr11-9864320-A-G.
Other names: c.2982-3T>C (NM_001386342.1); c.3111-3T>C (NM_001386339.1).
Identifiers: ClinVar variation 1675127 (VCV001675127.3), dbSNP rs2133961719, ClinGen allele CA2573147233.

ClinVar aggregate classification (germline): Uncertain significance. Review status: criteria provided, multiple submitters, no conflicts (2 of 4 stars). 2 submissions from 2 submitters: Uncertain significance (2). Last evaluated 2022-04-12.

Conditions:
Charcot-Marie-Tooth disease type 4. Also called: Charcot-Marie-Tooth, Type 4; Charcot-Marie-Tooth disease, type IV. Identifiers: Orphanet 64749, MedGen C4082197, MONDO:0018995.
Charcot-Marie-Tooth disease type 4B2. Also called: Charcot-Marie-Tooth Neuropathy Type 4B2; CHARCOT-MARIE-TOOTH DISEASE, WITH FOCALLY FOLDED MYELIN SHEATHS, AUTOSOMAL RECESSIVE, TYPE 4B2; CMT 4B2; CHARCOT-MARIE-TOOTH DISEASE, DEMYELINATING, TYPE 4B2. Identifiers: Orphanet 99956, MedGen C1858278, MONDO:0011475, OMIM 604563.

Allele frequency attached by ClinVar (database versions not stated): gnomAD exomes below 0.00001.
gnomAD v4.1: 2 of 1,614,024 alleles (0.00012%); highest among the groups gnomAD compares: Non-Finnish European, 0.00017%; no homozygotes.

Submissions (2):

Labcorp Genetics (formerly Invitae), Labcorp
Classification: Uncertain significance for Charcot-Marie-Tooth disease type 4. Last evaluated: 2022-04-12. Review status: criteria provided, single submitter. Criteria: Invitae Variant Classification Sherloc (09022015). Collection method: clinical testing. Allele origin: germline.
Comment: This sequence change falls in intron 24 of the SBF2 gene. It does not directly change the encoded amino acid sequence of the SBF2 protein. It affects a nucleotide within the consensus splice site. This variant is not present in population databases (gnomAD no frequency). This variant has not been reported in the literature in individuals affected with SBF2-related conditions. Variants that disrupt the consensus splice site are a relatively common cause of aberrant splicing (PMID: 17576681, 9536098). Algorithms developed to predict the effect of sequence changes on RNA splicing suggest that this variant is not likely to affect RNA splicing. In summary, the available evidence is currently insufficient to determine the role of this variant in disease. Therefore, it has been classified as a Variant of Uncertain Significance.

Center for Genomics, Ann and Robert H. Lurie Children's Hospital of Chicago
Classification: Uncertain significance for Charcot-Marie-Tooth disease type 4B2. Last evaluated: 2021-12-20. Review status: criteria provided, single submitter. Criteria: ACMG Guidelines, 2015. Collection method: clinical testing. Allele origin: germline.
Comment: SBF2 NM_030962.3 intron 24 c.3111-3T>C: This variant has not been reported in the literature and is not present in large control databases. Evolutionary conservation and computational predictive tools for this variant are limited or unavailable. Although this variant occurs in the splice region, computational prediction tools do not suggest that it alters splicing. However, further studies are needed to understand its impact. In summary, data on this variant is insufficient for disease classification. Therefore, the clinical significance of this variant is uncertain.

Literature cited by the submitters: PubMed 17576681 (cited by Labcorp Genetics (formerly Invitae), Labcorp); PubMed 9536098 (cited by Labcorp Genetics (formerly Invitae), Labcorp).